The following is an entry in ClinVar:

ClinVar aggregate classification (germline): Uncertain significance. Review status: criteria provided, multiple submitters, no conflicts (2 of 4 stars). 2 submissions from 2 submitters: Uncertain significance (2). Last evaluated 2025-10-01.

Conditions:
Duchenne muscular dystrophy (DMD). Also called: MUSCULAR DYSTROPHY, PSEUDOHYPERTROPHIC PROGRESSIVE, DUCHENNE TYPE; Duchenne Muscular Dystrophy (DMD). Identifiers: Orphanet 98896, MedGen C0013264, MONDO:0010679, OMIM 310200.
Cardiovascular phenotype. Identifiers: MedGen CN230736.

Allele frequency attached by ClinVar (database versions not stated): TOPMed 0.00002.

Submissions (2):

Labcorp Genetics (formerly Invitae), Labcorp
Classification: Uncertain significance for Duchenne muscular dystrophy. Last evaluated: 2025-10-01. Review status: criteria provided, single submitter. Criteria: Invitae Variant Classification Sherloc (09022015). Collection method: clinical testing. Allele origin: germline.
Comment: This sequence change replaces methionine, which is neutral and non-polar, with threonine, which is neutral and polar, at codon 2578 of the DMD protein (p.Met2578Thr). This variant is not present in population databases (gnomAD no frequency). This variant has not been reported in the literature in individuals affected with DMD-related conditions. ClinVar contains an entry for this variant (Variation ID: 1950685). Invitae Evidence Modeling of protein sequence and biophysical properties (such as structural, functional, and spatial information, amino acid conservation, physicochemical variation, residue mobility, and thermodynamic stability) indicates that this missense variant is not expected to disrupt DMD protein function with a negative predictive value of 95%. In summary, the available evidence is currently insufficient to determine the role of this variant in disease. Therefore, it has been classified as a Variant of Uncertain Significance.

Ambry Genetics
Classification: Uncertain significance for Cardiovascular phenotype. Last evaluated: 2024-02-07. Review status: criteria provided, single submitter. Criteria: Ambry Variant Classification Scheme 2023. Collection method: clinical testing. Allele origin: germline.
Comment: The p.M2578T variant (also known as c.7733T>C), located in coding exon 53 of the DMD gene, results from a T to C substitution at nucleotide position 7733. The methionine at codon 2578 is replaced by threonine, an amino acid with similar properties. This amino acid position is highly conserved in available vertebrate species. In addition, this alteration is predicted to be deleterious by in silico analysis. Based on the available evidence, the clinical significance of this alteration remains unclear.

NM_004006.3(DMD):c.7733T>C (p.Met2578Thr)

Gene: DMD (dystrophin; minus strand). Cytogenetic location: Xp21.1.
Variant type: single nucleotide variant.
Coding change: c.7733T>C on transcript NM_004006.3 (MANE Select); coding-DNA position 7733, T replaced by C.
Protein change: p.Met2578Thr; replaces methionine 2578 with threonine.
Molecular consequence: missense variant.
Genome position (GRCh38, 1-based): chrX:31,679,514, A>G on the plus strand (T>C on the coding strand, the complement: DMD is on the minus strand). VCF-style: chrX-31679514-A-G. GRCh37 (hg19) VCF-style: chrX-31697631-A-G.
Other names: c.7709T>C, p.Met2570Thr (NM_000109.4); c.7721T>C, p.Met2574Thr (NM_004009.3); c.7364T>C, p.Met2455Thr (NM_004010.3); c.3710T>C, p.Met1237Thr (NM_004011.4); c.3701T>C, p.Met1234Thr (NM_004012.4); c.353T>C, p.Met118Thr (NM_004013.3, NM_004020.4, NM_004021.3 and 2 more transcripts); short protein forms M2570T, M2574T, M2578T, M118T, M1237T, M2455T, M1234T.
Identifiers: ClinVar variation 1950685 (VCV001950685.4), dbSNP rs1030452427, ClinGen allele CA328462484.
Genomic context (GRCh38, chrX:31,679,514, plus strand): 5'-TGTCCTAAGACCTGCTCAGCTTCTTCCTTAGCTTCCAGCCATTGTGTTGAATCCTTTAAC[A>G]TTTCATTCAACTGTTGCCTCCGGTTCTGAAGGTGTTCTTGTACTTCATCCCACTGATTCT-3'
Protein context (NP_003997.2, residues 2568-2588): LQNRRQQLNE[Met2578Thr]LKDSTQWLEA